The following is an entry in ClinVar:

NM_004380.3(CREBBP):c.6113C>T (p.Pro2038Leu)

Gene: CREBBP (CREB binding lysine acetyltransferase; minus strand). Cytogenetic location: 16p13.3.
Variant type: single nucleotide variant.
Coding change: c.6113C>T on transcript NM_004380.3 (MANE Select); coding-DNA position 6113, C replaced by T.
Protein change: p.Pro2038Leu; replaces proline 2038 with leucine.
Molecular consequence: missense variant.
Genome position (GRCh38, 1-based): chr16:3,728,934, G>A on the plus strand (C>T on the coding strand, the complement: CREBBP is on the minus strand). VCF-style: chr16-3728934-G-A. GRCh37 (hg19) VCF-style: chr16-3778935-G-A.
Other names: c.5999C>T, p.Pro2000Leu (NM_001079846.1); short protein forms P2000L, P2038L.
Identifiers: ClinVar variation 3670137 (VCV003670137.2).
Genomic context (GRCh38, chr16:3,728,934, plus strand): 5'-GGCTGCACGCTGGGCATCCGGGGCCCAGCCACGGCCGCCTGGGCCTGCATGGATATCACA[G>A]GCCTGGGCAAGCCTGGCATGGGCTGCTGCTGGGGAAGGGGCGCCTGCTGCCACTGCCCGG-3'
Protein context (NP_004371.2, residues 2028-2048): QQQPMPGLPR[Pro2038Leu]VISMQAQAAV

ClinVar aggregate classification (germline): Uncertain significance (1 of 4 stars; one submission).

Conditions:
Rubinstein-Taybi syndrome (RSTS). Identifiers: Orphanet 783, MedGen C0035934, MONDO:0019188.

Submission:

Labcorp Genetics (formerly Invitae), Labcorp
Classification: Uncertain significance for Rubinstein-Taybi syndrome. Last evaluated: 2024-09-23. Review status: criteria provided, single submitter. Criteria: Invitae Variant Classification Sherloc (09022015). Collection method: clinical testing. Allele origin: germline.
Comment: This sequence change replaces proline, which is neutral and non-polar, with leucine, which is neutral and non-polar, at codon 2038 of the CREBBP protein (p.Pro2038Leu). This variant is not present in population databases (gnomAD no frequency). This variant has not been reported in the literature in individuals affected with CREBBP-related conditions. Invitae Evidence Modeling of protein sequence and biophysical properties (such as structural, functional, and spatial information, amino acid conservation, physicochemical variation, residue mobility, and thermodynamic stability) indicates that this missense variant is not expected to disrupt CREBBP protein function with a negative predictive value of 80%. In summary, the available evidence is currently insufficient to determine the role of this variant in disease. Therefore, it has been classified as a Variant of Uncertain Significance.